The following is an entry in ClinVar:

NM_000260.4(MYO7A):c.3273G>T (p.Gln1091His)

Gene: MYO7A (myosin VIIA; plus strand). Cytogenetic location: 11q13.5.
Variant type: single nucleotide variant.
Coding change: c.3273G>T on transcript NM_000260.4 (MANE Select); coding-DNA position 3273, G replaced by T.
Protein change: p.Gln1091His; replaces glutamine 1091 with histidine.
Molecular consequence: missense variant.
Genome position (GRCh38, 1-based): chr11:77,182,588, G>T. VCF-style: chr11-77182588-G-T. GRCh37 (hg19) VCF-style: chr11-76893633-G-T.
Other names: c.3273G>T, p.Gln1091His (NM_001127180.2); c.3240G>T, p.Gln1080His (NM_001369365.1); short protein forms Q1091H, Q1080H.
Identifiers: ClinVar variation 2964193 (VCV002964193.3), dbSNP rs1405731891, ClinGen allele CA381945134.

ClinVar aggregate classification (germline): Uncertain significance (1 of 4 stars; one submission).

Allele frequency attached by ClinVar (database versions not stated): TOPMed below 0.00001; gnomAD 0.00001; gnomAD exomes 0.00001.
gnomAD v4.1: 9 of 1,612,810 alleles (0.00056%); highest among the groups gnomAD compares: Non-Finnish European, 0.00068%; no homozygotes.

Submission:

Labcorp Genetics (formerly Invitae), Labcorp
Classification: Uncertain significance. Last evaluated: 2023-10-29. Review status: criteria provided, single submitter. Criteria: Invitae Variant Classification Sherloc (09022015). Collection method: clinical testing. Allele origin: germline.
Comment: This sequence change replaces glutamine, which is neutral and polar, with histidine, which is basic and polar, at codon 1091 of the MYO7A protein (p.Gln1091His). This variant is not present in population databases (gnomAD no frequency). This variant has not been reported in the literature in individuals affected with MYO7A-related conditions. Advanced modeling of protein sequence and biophysical properties (such as structural, functional, and spatial information, amino acid conservation, physicochemical variation, residue mobility, and thermodynamic stability) performed at Invitae indicates that this missense variant is not expected to disrupt MYO7A protein function with a negative predictive value of 95%. In summary, the available evidence is currently insufficient to determine the role of this variant in disease. Therefore, it has been classified as a Variant of Uncertain Significance.